The following is an entry in ClinVar:

ClinVar aggregate classification (germline): Likely pathogenic (1 of 4 stars; one submission).

Conditions:
PROS1-related disorder. Also called: PROS1-related condition.

Submission:

PreventionGenetics, part of Exact Sciences
Classification: Likely pathogenic for PROS1-related condition. Last evaluated: 2025-08-27. Review status: criteria provided, single submitter. Criteria: ACMG Guidelines, 2015. Collection method: clinical testing. Allele origin: germline.
Comment: The PROS1 c.260-2A>C variant is predicted to disrupt the AG splice acceptor site and interfere with normal splicing. To our knowledge, this variant has not been reported in the literature or in a large population database (gnomAD), indicating this variant is rare. Variants that disrupt the consensus splice acceptor site in PROS1 are expected to be pathogenic. This variant is interpreted as likely pathogenic.

NM_000313.4(PROS1):c.260-2A>C

Gene: PROS1 (protein S; minus strand). Cytogenetic location: 3q11.1.
Variant type: single nucleotide variant.
Coding change: c.260-2A>C on transcript NM_000313.4 (MANE Select); the canonical splice acceptor site of the intron before coding-DNA position 260, A replaced by C.
Molecular consequence: splice acceptor variant.
Genome position (GRCh38, 1-based): chr3:93,910,707, T>G on the plus strand (A>C on the coding strand, the complement: PROS1 is on the minus strand). VCF-style: chr3-93910707-T-G. GRCh37 (hg19) VCF-style: chr3-93629551-T-G.
Other names: c.356-2A>C (NM_001314077.2).
Identifiers: ClinVar variation 4992553 (VCV004992553.1).